The following is an entry in ClinVar:

ClinVar aggregate classification (germline): Uncertain significance (1 of 4 stars; one submission).

gnomAD v4.1: 2 of 1,614,128 alleles (0.00012%); highest among the groups gnomAD compares: Non-Finnish European, 0.000085%; no homozygotes.

Submission:

GeneDx
Classification: Uncertain significance. Last evaluated: 2024-08-27. Review status: criteria provided, single submitter. Criteria: GeneDx Variant Classification Process June 2021. Collection method: clinical testing. Allele origin: germline. Affected: yes.
Comment: Not observed at significant frequency in large population cohorts (gnomAD); In silico analysis supports that this missense variant has a deleterious effect on protein structure/function; Has not been previously published as pathogenic or benign to our knowledge

NM_003660.4(PPFIA3):c.2786C>T (p.Ser929Phe)

Gene: PPFIA3 (PTPRF interacting protein alpha 3; plus strand). Cytogenetic location: 19q13.33.
Variant type: single nucleotide variant.
Coding change: c.2786C>T on transcript NM_003660.4 (MANE Select); coding-DNA position 2786, C replaced by T.
Protein change: p.Ser929Phe; replaces serine 929 with phenylalanine.
Molecular consequence: missense variant. On other transcripts: non-coding transcript variant (1).
Genome position (GRCh38, 1-based): chr19:49,145,983, C>T. VCF-style: chr19-49145983-C-T. GRCh37 (hg19) VCF-style: chr19-49649240-C-T.
Other names: short protein forms S929F.
Identifiers: ClinVar variation 3766410 (VCV003766410.1).